The following is an entry in ClinVar:

ClinVar aggregate classification (germline): Uncertain significance (1 of 4 stars; one submission).

Conditions:
Hereditary cancer-predisposing syndrome. Also called: Neoplastic Syndromes, Hereditary; Tumor predisposition; Hereditary Cancer Syndrome; Hereditary neoplastic syndrome. Identifiers: Orphanet 140162, MedGen C0027672, MeSH D009386, MONDO:0015356.

Submission:

Ambry Genetics
Classification: Uncertain significance for Hereditary cancer-predisposing syndrome. Last evaluated: 2024-11-08. Review status: criteria provided, single submitter. Criteria: Ambry Variant Classification Scheme 2023. Collection method: clinical testing. Allele origin: germline.
Comment: The p.L1704H variant (also known as c.5111T>A), located in coding exon 38 of the POLE gene, results from a T to A substitution at nucleotide position 5111. The leucine at codon 1704 is replaced by histidine, an amino acid with similar properties. This amino acid position is conserved. In addition, this alteration is predicted to be deleterious by in silico analysis. Based on the available evidence, the clinical significance of this variant remains unclear.

NM_006231.4(POLE):c.5111T>A (p.Leu1704His)

Gene: POLE (DNA polymerase epsilon, catalytic subunit; minus strand). Cytogenetic location: 12q24.33.
Variant type: single nucleotide variant.
Coding change: c.5111T>A on transcript NM_006231.4 (MANE Select); coding-DNA position 5111, T replaced by A.
Protein change: p.Leu1704His; replaces leucine 1704 with histidine.
Molecular consequence: missense variant.
Genome position (GRCh38, 1-based): chr12:132,642,239, A>T on the plus strand (T>A on the coding strand, the complement: POLE is on the minus strand). VCF-style: chr12-132642239-A-T. GRCh37 (hg19) VCF-style: chr12-133218825-A-T.
Other names: short protein forms L1704H.
Identifiers: ClinVar variation 3422217 (VCV003422217.1).
Genomic context (GRCh38, chr12:132,642,239, plus strand): 5'-GTGGAGTAACAGCCTGAACTGTTGATCTCAACAGTGGCTTGGTCATCGAACTCCATGACA[A>T]GACAGTTGTCATCAGCCTCCTTTCCACCCAGGTCAGGGCGGGCTGTAGGGGACAGCCAGA-3'
Protein context (NP_006222.2, residues 1694-1714): LGGKEADDNC[Leu1704His]VMEFDDQATV